The following is an entry in ClinVar:

ClinVar aggregate classification (germline): Uncertain significance (1 of 4 stars; one submission).

gnomAD v4.1: 1 of 1,613,652 alleles (0.000062%); highest among the groups gnomAD compares: Non-Finnish European, 0.000085%; no homozygotes.

Submission:

GeneDx
Classification: Uncertain significance. Last evaluated: 2026-03-05. Review status: criteria provided, single submitter. Criteria: GeneDx Variant Classification Process June 2021. Collection method: clinical testing. Allele origin: germline.
Comment: Not observed at significant frequency in large population cohorts (gnomAD); Missense variant in a gene in which most reported pathogenic variants are truncating/loss of function; Has not been previously published as pathogenic or benign to our knowledge

NM_001267550.2(TTN):c.91994T>C (p.Leu30665Pro)

Genes: TTN (titin; minus strand), TTN-AS1 (TTN antisense RNA 1; plus strand). Cytogenetic location: 2q31.2.
Variant type: single nucleotide variant.
Coding change: c.91994T>C on transcript NM_001267550.2 (MANE Select); coding-DNA position 91994, T replaced by C.
Protein change: p.Leu30665Pro; replaces leucine 30665 with proline.
Molecular consequence: missense variant.
Genome position (GRCh38, 1-based): chr2:178,549,728, A>G on the plus strand (T>C on the coding strand, the complement: TTN is on the minus strand). VCF-style: chr2-178549728-A-G. GRCh37 (hg19) VCF-style: chr2-179414455-A-G.
Other names: c.87071T>C, p.Leu29024Pro (NM_001256850.1); c.64799T>C, p.Leu21600Pro (NM_003319.4); c.84290T>C, p.Leu28097Pro (NM_133378.4); c.65174T>C, p.Leu21725Pro (NM_133432.3); c.65375T>C, p.Leu21792Pro (NM_133437.4); short protein forms L28097P, L30665P, L21600P, L21725P, L29024P, L21792P.
Identifiers: ClinVar variation 5008356 (VCV005008356.1).